The following is an entry in ClinVar:

NM_001303256.3(MORC2):c.1250C>G (p.Pro417Arg)

Gene: MORC2 (MORC family CW-type zinc finger 2; minus strand). Cytogenetic location: 22q12.2.
Variant type: single nucleotide variant.
Coding change: c.1250C>G on transcript NM_001303256.3 (MANE Select); coding-DNA position 1250, C replaced by G.
Protein change: p.Pro417Arg; replaces proline 417 with arginine.
Molecular consequence: missense variant.
Genome position (GRCh38, 1-based): chr22:30,937,934, G>C on the plus strand (C>G on the coding strand, the complement: MORC2 is on the minus strand). VCF-style: chr22-30937934-G-C. GRCh37 (hg19) VCF-style: chr22-31333921-G-C.
Other names: c.1250C>G, p.Pro417Arg (NM_001303257.2); c.1064C>G, p.Pro355Arg (NM_014941.3); short protein forms P417R, P355R.
Identifiers: ClinVar variation 1349338 (VCV001349338.6), dbSNP rs2147256638, ClinGen allele CA411239011.

ClinVar aggregate classification (germline): Uncertain significance (1 of 4 stars; one submission).

Conditions:
Charcot-Marie-Tooth disease axonal type 2Z. Also called: CHARCOT-MARIE-TOOTH DISEASE, AXONAL, AUTOSOMAL DOMINANT, TYPE 2Z; CHARCOT-MARIE-TOOTH NEUROPATHY, TYPE 2Z. Identifiers: Orphanet 466768, MedGen C5569025, MONDO:0014736, OMIM 616688.

Submission:

Labcorp Genetics (formerly Invitae), Labcorp
Classification: Uncertain significance for Charcot-Marie-Tooth disease axonal type 2Z. Last evaluated: 2021-04-27. Review status: criteria provided, single submitter. Criteria: Invitae Variant Classification Sherloc (09022015). Collection method: clinical testing. Allele origin: germline.
Comment: This variant is not present in population databases (ExAC no frequency). In summary, the available evidence is currently insufficient to determine the role of this variant in disease. Therefore, it has been classified as a Variant of Uncertain Significance. Advanced modeling of protein sequence and biophysical properties (such as structural, functional, and spatial information, amino acid conservation, physicochemical variation, residue mobility, and thermodynamic stability) performed at Invitae indicates that this missense variant is expected to disrupt MORC2 protein function. This variant has not been reported in the literature in individuals with MORC2-related conditions. This sequence change replaces proline with arginine at codon 417 of the MORC2 protein (p.Pro417Arg). The proline residue is highly conserved and there is a moderate physicochemical difference between proline and arginine.